The following is an entry in ClinVar:

ClinVar aggregate classification (germline): Uncertain significance (1 of 4 stars; one submission).

Conditions:
Developmental and epileptic encephalopathy, 2 (DEE2). Also called: INFANTILE SPASM SYNDROME, X-LINKED 2; CDKL5 deficiency disorder. Identifiers: Orphanet 1934, Orphanet 3451, Orphanet 505652, MedGen C4750718, MONDO:0010396, OMIM 300672.
Angelman syndrome-like. Identifiers: MedGen CN128785.

Submission:

Labcorp Genetics (formerly Invitae), Labcorp
Classification: Uncertain significance for Developmental and epileptic encephalopathy, 2; Angelman syndrome-like. Last evaluated: 2023-09-03. Review status: criteria provided, single submitter. Criteria: Invitae Variant Classification Sherloc (09022015). Collection method: clinical testing. Allele origin: germline.
Comment: In summary, the available evidence is currently insufficient to determine the role of this variant in disease. Therefore, it has been classified as a Variant of Uncertain Significance. Advanced modeling of protein sequence and biophysical properties (such as structural, functional, and spatial information, amino acid conservation, physicochemical variation, residue mobility, and thermodynamic stability) performed at Invitae indicates that this missense variant is not expected to disrupt CDKL5 protein function. This variant has not been reported in the literature in individuals affected with CDKL5-related conditions. This variant is not present in population databases (gnomAD no frequency). This sequence change replaces arginine, which is basic and polar, with lysine, which is basic and polar, at codon 710 of the CDKL5 protein (p.Arg710Lys).

NM_001323289.2(CDKL5):c.2129G>A (p.Arg710Lys)

Gene: CDKL5 (cyclin dependent kinase like 5; plus strand). Cytogenetic location: Xp22.13.
Variant type: single nucleotide variant.
Coding change: c.2129G>A on transcript NM_001323289.2 (MANE Select); coding-DNA position 2129, G replaced by A.
Protein change: p.Arg710Lys; replaces arginine 710 with lysine.
Molecular consequence: missense variant.
Genome position (GRCh38, 1-based): chrX:18,609,547, G>A. VCF-style: chrX-18609547-G-A. GRCh37 (hg19) VCF-style: chrX-18627667-G-A.
Other names: c.2129G>A, p.Arg710Lys (NM_001037343.2, NM_003159.3); short protein forms R710K.
Identifiers: ClinVar variation 2951544 (VCV002951544.3), dbSNP rs2518881265, ClinGen allele CA412366658.